The following is an entry in ClinVar:

NM_000127.3(EXT1):c.202dup (p.Trp68fs)

Gene: EXT1 (exostosin glycosyltransferase 1; minus strand). Cytogenetic location: 8q24.11.
Variant type: Duplication.
Coding change: c.202dup on transcript NM_000127.3 (MANE Select); coding-DNA position 202, one base duplicated (T; older notation c.202dupT).
Protein change: p.Trp68fs; shifts the reading frame from tryptophan 68.
Molecular consequence: frameshift variant.
Genome position (GRCh38, 1-based): chr8:118,110,845, A duplicated on the plus strand (T on the coding strand, the reverse complement: EXT1 is on the minus strand); the first of 2 consecutive A bases (chr8:118,110,845-118,110,846); duplicating either gives the same sequence. VCF-style (leftmost placement, unchanged base first): chr8-118110844-C-CA. GRCh37 (hg19) VCF-style: chr8-119123083-C-CA.
Other names: c.202dupT (NM_000127.2); short protein forms W68fs.
Identifiers: ClinVar variation 2630105 (VCV002630105.2), dbSNP rs2488053110, ClinGen allele CA2695201515.
Genomic context (GRCh38, chr8:118,110,844, plus strand): 5'-GCATCTCGCTTCTGCCGGGGGGAAATGTGCACGCTGGAATCCTCGTTTTCCAATTGATCC[C>CA]AAGGAACGAAGGGGCGCAGAGCGTCCGGGAAGCGGGGCCAGAAATGATCCGGACTGGGGT-3'

ClinVar aggregate classification (germline): Pathogenic (1 of 4 stars; one submission).

Conditions:
EXT1-related disorder. Also called: EXT1-related condition.

Submission:

PreventionGenetics, part of Exact Sciences
Classification: Pathogenic for EXT1-related condition. Last evaluated: 2026-03-24. Review status: criteria provided, single submitter. Criteria: ACMG Guidelines, 2015. Collection method: clinical testing. Allele origin: germline.
Comment: The EXT1 c.202dupT variant is predicted to result in a frameshift and premature protein termination (p.Trp68Leufs*121). To our knowledge, this variant has not been reported in the literature or in a large population database (gnomAD), indicating this variant is rare. An alternative nucleotide change resulting in a similar protein truncating variant (c.204G>A; p.Trp68Term) has been previously reported in an individual with multiple exostoses (Table 3, Wuyts et al. 1998. PubMed ID: 9463333). Frameshift variants in EXT1 are expected to be pathogenic. This variant is interpreted as pathogenic.